The following is an entry in ClinVar:

ClinVar aggregate classification (germline): Conflicting classifications of pathogenicity. Review status: criteria provided, conflicting classifications (1 of 4 stars). 2 submissions from 2 submitters: Uncertain significance (1); Likely benign (1). Last evaluated 2026-06-18.

Conditions:
Hereditary cancer-predisposing syndrome. Also called: Tumor predisposition; Neoplastic Syndromes, Hereditary; Hereditary Cancer Syndrome; Hereditary neoplastic syndrome. Identifiers: Orphanet 140162, MedGen C0027672, MeSH D009386, MONDO:0015356.

Submissions (2):

Ambry Genetics
Classification: Likely benign for Hereditary cancer-predisposing syndrome. Last evaluated: 2026-06-18. Review status: criteria provided, single submitter. Criteria: Ambry Variant Classification Scheme 2023. Collection method: clinical testing. Allele origin: germline.

Labcorp Genetics (formerly Invitae), Labcorp
Classification: Uncertain significance. Last evaluated: 2025-01-15. Review status: criteria provided, single submitter. Criteria: Invitae Variant Classification Sherloc (09022015). Collection method: clinical testing. Allele origin: germline.
Comment: This sequence change replaces serine, which is neutral and polar, with asparagine, which is neutral and polar, at codon 3 of the NTHL1 protein (p.Ser3Asn). This variant is not present in population databases (gnomAD no frequency). This variant has not been reported in the literature in individuals affected with NTHL1-related conditions. ClinVar contains an entry for this variant (Variation ID: 2823857). An algorithm developed to predict the effect of missense changes on protein structure and function (PolyPhen-2) suggests that this variant is likely to be disruptive. In summary, the available evidence is currently insufficient to determine the role of this variant in disease. Therefore, it has been classified as a Variant of Uncertain Significance.

NC_000016.10:g.2047840C>T

Genes: NTHL1 (nth like DNA glycosylase 1; minus strand), LOC130058209 (ATAC-STARR-seq lymphoblastoid active region 10253; plus strand). Cytogenetic location: 16p13.3.
Variant type: single nucleotide variant.
Genome position: GRCh38 VCF-style: chr16-2047840-C-T. GRCh37 (hg19) VCF-style: chr16-2097841-C-T.
Identifiers: ClinVar variation 2823857 (VCV002823857.4), dbSNP rs780026159, ClinGen allele CA394298898.